The following is an entry in ClinVar:

NM_198271.5(LMOD3):c.53T>C (p.Ile18Thr)

Genes: LMOD3 (leiomodin 3; minus strand), LOC126806710 (CDK7 strongly-dependent group 2 enhancer GRCh37_chr3:69170601-69171800; plus strand). Cytogenetic location: 3p14.1.
Variant type: single nucleotide variant.
Coding change: c.53T>C on transcript NM_198271.5 (MANE Select); coding-DNA position 53, T replaced by C.
Protein change: p.Ile18Thr; replaces isoleucine 18 with threonine.
Molecular consequence: missense variant.
Genome position (GRCh38, 1-based): chr3:69,122,334, A>G on the plus strand (T>C on the coding strand, the complement: LMOD3 is on the minus strand). VCF-style: chr3-69122334-A-G. GRCh37 (hg19) VCF-style: chr3-69171485-A-G.
Other names: c.53T>C, p.Ile18Thr (NM_001304418.3); short protein forms I18T.
Identifiers: ClinVar variation 3708256 (VCV003708256.2).

ClinVar aggregate classification (germline): Uncertain significance (1 of 4 stars; one submission).

Conditions:
Nemaline myopathy 10 (NEM10). Identifiers: MedGen C4015360, MONDO:0014513, OMIM 616165.

gnomAD v4.1: 7 of 1,612,498 alleles (0.00043%); highest among the groups gnomAD compares: African/African-American, 0.004%; no homozygotes.

Submission:

Labcorp Genetics (formerly Invitae), Labcorp
Classification: Uncertain significance for Nemaline myopathy 10. Last evaluated: 2024-07-01. Review status: criteria provided, single submitter. Criteria: Invitae Variant Classification Sherloc (09022015). Collection method: clinical testing. Allele origin: germline.
Comment: This sequence change replaces isoleucine, which is neutral and non-polar, with threonine, which is neutral and polar, at codon 18 of the LMOD3 protein (p.Ile18Thr). The frequency data for this variant in the population databases is considered unreliable, as metrics indicate poor data quality at this position in the gnomAD database. This variant has not been reported in the literature in individuals affected with LMOD3-related conditions. An algorithm developed to predict the effect of missense changes on protein structure and function (PolyPhen-2) suggests that this variant is likely to be disruptive. In summary, the available evidence is currently insufficient to determine the role of this variant in disease. Therefore, it has been classified as a Variant of Uncertain Significance.